The following is an entry in ClinVar:

NM_001354604.2(MITF):c.1249T>G (p.Leu417Val)

Gene: MITF (melanocyte inducing transcription factor; plus strand). Cytogenetic location: 3p13.
Variant type: single nucleotide variant.
Coding change: c.1249T>G on transcript NM_001354604.2 (MANE Select); coding-DNA position 1249, T replaced by G.
Protein change: p.Leu417Val; replaces leucine 417 with valine.
Molecular consequence: missense variant.
Genome position (GRCh38, 1-based): chr3:69,964,916, T>G. VCF-style: chr3-69964916-T-G. GRCh37 (hg19) VCF-style: chr3-70014067-T-G.
Other names: c.928T>G, p.Leu310Val (NM_000248.4); c.1075T>G, p.Leu359Val (NM_001184967.2, NM_001354608.2); c.1246T>G, p.Leu416Val (NM_001354605.2); c.1228T>G, p.Leu410Val (NM_001354606.2, NM_006722.3); c.1180T>G, p.Leu394Val (NM_001354607.2); c.910T>G, p.Leu304Val (NM_198158.3); c.1231T>G, p.Leu411Val (NM_198159.3); c.1183T>G, p.Leu395Val (NM_198177.3); and 1 more; short protein forms L248V, L304V, L310V, L359V, L394V, L395V, L410V, L411V.
Identifiers: ClinVar variation 3757463 (VCV003757463.3).

ClinVar aggregate classification (germline): Uncertain significance. Review status: criteria provided, multiple submitters, no conflicts (2 of 4 stars). 2 submissions from 2 submitters: Uncertain significance (2). Last evaluated 2025-06-18.

Conditions:
Hereditary cancer-predisposing syndrome. Also called: Tumor predisposition; Hereditary Cancer Syndrome; Hereditary neoplastic syndrome; Neoplastic Syndromes, Hereditary. Identifiers: Orphanet 140162, MedGen C0027672, MeSH D009386, MONDO:0015356.
Tietz syndrome (TADS). Also called: HYPOPIGMENTATION/DEAFNESS OF TIETZ; TIETZ ALBINISM-DEAFNESS SYNDROME; ALBINISM-DEAFNESS OF TIETZ. Identifiers: Orphanet 42665, MedGen C0391816, MONDO:0007077, OMIM 103500.
Waardenburg syndrome type 2A (WS2A). Also called: WAARDENBURG SYNDROME WITHOUT DYSTOPIA CANTHORUM. Identifiers: Orphanet 3440, MedGen C1860339, MONDO:0008671, OMIM 193510.
Melanoma, cutaneous malignant, susceptibility to, 8. Also called: MELANOMA AND RENAL CELL CARCINOMA, SUSCEPTIBILITY TO; Cutaneous malignant melanoma 8. Identifiers: Orphanet 293822, MedGen C3152204, MONDO:0013759, OMIM 614456.

Submissions (2):

Ambry Genetics
Classification: Uncertain significance for Hereditary cancer-predisposing syndrome. Last evaluated: 2025-06-18. Review status: criteria provided, single submitter. Criteria: Ambry Variant Classification Scheme 2023. Collection method: clinical testing. Allele origin: germline.
Comment: The p.L310V variant (also known as c.928T>G), located in coding exon 9 of the MITF gene, results from a T to G substitution at nucleotide position 928. The leucine at codon 310 is replaced by valine, an amino acid with highly similar properties. This amino acid position is conserved. In addition, this alteration is predicted to be tolerated by in silico analysis. Based on the available evidence, the clinical significance of this variant remains unclear.

Labcorp Genetics (formerly Invitae), Labcorp
Classification: Uncertain significance for Melanoma, cutaneous malignant, susceptibility to, 8; Waardenburg syndrome type 2A; Tietz syndrome. Last evaluated: 2024-08-04. Review status: criteria provided, single submitter. Criteria: Invitae Variant Classification Sherloc (09022015). Collection method: clinical testing. Allele origin: germline.
Comment: This sequence change replaces leucine, which is neutral and non-polar, with valine, which is neutral and non-polar, at codon 310 of the MITF protein (p.Leu310Val). This variant is not present in population databases (gnomAD no frequency). This variant has not been reported in the literature in individuals affected with MITF-related conditions. Advanced modeling of protein sequence and biophysical properties (such as structural, functional, and spatial information, amino acid conservation, physicochemical variation, residue mobility, and thermodynamic stability) performed at Invitae indicates that this missense variant is not expected to disrupt MITF protein function with a negative predictive value of 80%. In summary, the available evidence is currently insufficient to determine the role of this variant in disease. Therefore, it has been classified as a Variant of Uncertain Significance.